The following is an entry in ClinVar:

ClinVar aggregate classification (germline): Conflicting classifications of pathogenicity. Review status: criteria provided, conflicting classifications (1 of 4 stars). 3 submissions from 3 submitters: Uncertain significance (2); Likely benign (1). Last evaluated 2026-02-24.

Conditions:
Hypogonadotropic hypogonadism 2 with or without anosmia (HH2). Also called: HYPOGONADOTROPIC HYPOGONADISM 2 WITHOUT ANOSMIA; HYPOGONADOTROPIC HYPOGONADISM 2 WITH OR WITHOUT ANOSMIA, SUSCEPTIBILITY TO; HYPOGONADOTROPIC HYPOGONADISM 2 WITHOUT ANOSMIA, SUSCEPTIBILITY TO; FGFR1-Related GnRH Deficiency (Kallmann Syndrome 2). Identifiers: Orphanet 478, MedGen C1563720, MONDO:0007844, OMIM 147950. Disease mechanism: loss of function.
Pfeiffer syndrome (ACS5). Also called: ACS V. Identifiers: Orphanet 710, MedGen C0220658, MONDO:0007043, OMIM 101600.

Allele frequency attached by ClinVar (database versions not stated): gnomAD exomes 0.00003 and 0.00013; ExAC 0.00004; TOPMed 0.00004; gnomAD 0.00005.
gnomAD v4.1: 190 of 1,613,956 alleles (0.012%); highest among the groups gnomAD compares: Non-Finnish European, 0.016%; no homozygotes.

Submissions (4):

Women's Health and Genetics/Laboratory Corporation of America, LabCorp
Classification: Uncertain significance. Last evaluated: 2026-02-24. Review status: criteria provided, single submitter. Criteria: LabCorp Variant Classification Summary - May 2015. Collection method: clinical testing. Allele origin: germline.
Comment: Variant summary: FGFR1 c.2351G>A (p.Arg784Gln) results in a conservative amino acid change in the encoded protein sequence. Algorithms developed to predict the effect of missense changes on protein structure and function are either unavailable or do not agree on the potential impact of this missense change. The variant allele was found at a frequency of 3.2e-05 in 249044 control chromosomes. The available data on variant occurrences in the general population are insufficient to allow any conclusion about variant significance. To our knowledge, no occurrence of c.2351G>A in individuals affected with FGFR1-related conditions and no experimental evidence demonstrating its impact on protein function have been reported. ClinVar contains an entry for this variant (Variation ID: 1216864). Based on the evidence outlined above, the variant was classified as uncertain significance.

Labcorp Genetics (formerly Invitae), Labcorp
Classification: Uncertain significance for Pfeiffer syndrome; Hypogonadotropic hypogonadism 2 with or without anosmia. Last evaluated: 2023-08-07. Review status: criteria provided, single submitter. Criteria: Invitae Variant Classification Sherloc (09022015). Collection method: clinical testing. Allele origin: germline.
Comment: In summary, the available evidence is currently insufficient to determine the role of this variant in disease. Therefore, it has been classified as a Variant of Uncertain Significance. Advanced modeling of protein sequence and biophysical properties (such as structural, functional, and spatial information, amino acid conservation, physicochemical variation, residue mobility, and thermodynamic stability) has been performed at Invitae for this missense variant, however the output from this modeling did not meet the statistical confidence thresholds required to predict the impact of this variant on FGFR1 protein function. This sequence change replaces arginine, which is basic and polar, with glutamine, which is neutral and polar, at codon 784 of the FGFR1 protein (p.Arg784Gln). This variant is present in population databases (rs746602135, gnomAD 0.006%). This variant has not been reported in the literature in individuals affected with FGFR1-related conditions. ClinVar contains an entry for this variant (Variation ID: 1216864).

GeneDx
Classification: Likely benign. Last evaluated: 2020-05-26. Review status: criteria provided, single submitter. Criteria: GeneDx Variant Classification Process June 2021. Collection method: clinical testing. Allele origin: germline. Affected: yes.
Comment: In silico analysis supports that this missense variant does not alter protein structure/function; Has not been previously published as pathogenic or benign to our knowledge

Dr. Peter K. Rogan Lab, Western University
No classification provided (evidence only). Condition: Gastric cancer. Review status: no classification provided. Collection method: in vitro. Allele origin: not applicable. Functional consequence: retained intron. Not counted in ClinVar's aggregate classification.

NM_023110.3(FGFR1):c.2351G>A (p.Arg784Gln)

Gene: FGFR1 (fibroblast growth factor receptor 1; minus strand). Cytogenetic location: 8p11.23.
Variant type: single nucleotide variant.
Coding change: c.2351G>A on transcript NM_023110.3 (MANE Select); coding-DNA position 2351, G replaced by A.
Protein change: p.Arg784Gln; replaces arginine 784 with glutamine.
Molecular consequence: missense variant. On other transcripts: intron variant (3).
Genome position (GRCh38, 1-based): chr8:38,413,746, C>T on the plus strand (G>A on the coding strand, the complement: FGFR1 is on the minus strand). VCF-style: chr8-38413746-C-T. GRCh37 (hg19) VCF-style: chr8-38271264-C-T.
Other names: c.2345G>A, p.Arg782Gln (NM_001174063.2, NM_001174065.2, NM_015850.4); c.2321G>A, p.Arg774Gln (NM_001174064.2); c.2084G>A, p.Arg695Gln (NM_001174066.2, NM_023105.3); c.2444G>A, p.Arg815Gln (NM_001174067.2); c.2072G>A, p.Arg691Gln (NM_001354368.2); c.2078G>A, p.Arg693Gln (NM_023106.3); c.2019+172G>A (NM_001354370.2); c.2286+172G>A (NM_001354367.2); and 1 more; short protein forms R691Q, R693Q, R695Q, R774Q, R782Q, R784Q, R815Q.
Identifiers: ClinVar variation 1216864 (VCV001216864.11), dbSNP rs746602135, ClinGen allele CA4718093.